The following is an entry in ClinVar:

ClinVar aggregate classification (germline): Uncertain significance. Review status: criteria provided, multiple submitters, no conflicts (2 of 4 stars). 2 submissions from 2 submitters: Uncertain significance (2). Last evaluated 2024-05-18.

Conditions:
Joubert syndrome. Also called: JOUBERT-BOLTSHAUSER SYNDROME; Familial aplasia of the vermis. Identifiers: Orphanet 475, MedGen C5979921, MONDO:0018772.
Meckel-Gruber syndrome. Also called: DYSENCEPHALIA SPLANCHNOCYSTICA; GRUBER SYNDROME; Dysencephalia splachnocystica. Identifiers: Orphanet 564, MedGen C0265215, MONDO:0018921.

Allele frequency attached by ClinVar (database versions not stated): gnomAD exomes below 0.00001; gnomAD 0.00001; TOPMed 0.00001.
gnomAD v4.1: 3 of 1,610,830 alleles (0.00019%); highest among the groups gnomAD compares: Admixed American, 0.0033%; no homozygotes.

Submissions (2):

GeneDx
Classification: Uncertain significance. Last evaluated: 2024-05-18. Review status: criteria provided, single submitter. Criteria: GeneDx Variant Classification Process June 2021. Collection method: clinical testing. Allele origin: germline. Affected: yes.
Comment: Not observed at significant frequency in large population cohorts (gnomAD); In silico analysis supports that this missense variant has a deleterious effect on protein structure/function; Has not been previously published as pathogenic or benign to our knowledge

Labcorp Genetics (formerly Invitae), Labcorp
Classification: Uncertain significance for Joubert syndrome; Meckel-Gruber syndrome. Last evaluated: 2022-07-18. Review status: criteria provided, single submitter. Criteria: Invitae Variant Classification Sherloc (09022015). Collection method: clinical testing. Allele origin: germline.
Comment: This sequence change replaces aspartic acid, which is acidic and polar, with tyrosine, which is neutral and polar, at codon 1587 of the CC2D2A protein (p.Asp1587Tyr). This variant is present in population databases (no rsID available, gnomAD 0.003%). This variant has not been reported in the literature in individuals affected with CC2D2A-related conditions. ClinVar contains an entry for this variant (Variation ID: 1476741). Advanced modeling of protein sequence and biophysical properties (such as structural, functional, and spatial information, amino acid conservation, physicochemical variation, residue mobility, and thermodynamic stability) performed at Invitae indicates that this missense variant is expected to disrupt CC2D2A protein function. In summary, the available evidence is currently insufficient to determine the role of this variant in disease. Therefore, it has been classified as a Variant of Uncertain Significance.

NM_001378615.1(CC2D2A):c.4759G>T (p.Asp1587Tyr)

Genes: CC2D2A (coiled-coil and C2 domain containing 2A; plus strand), FBXL5 (F-box and leucine rich repeat protein 5; minus strand). Cytogenetic location: 4p15.32.
Variant type: single nucleotide variant.
Coding change: c.4759G>T on transcript NM_001378615.1 (MANE Select); coding-DNA position 4759, G replaced by T.
Protein change: p.Asp1587Tyr; replaces aspartic acid 1587 with tyrosine.
Molecular consequence: missense variant.
Genome position (GRCh38, 1-based): chr4:15,601,321, G>T. VCF-style: chr4-15601321-G-T. GRCh37 (hg19) VCF-style: chr4-15602944-G-T.
Other names: c.4759G>T, p.Asp1587Tyr (NM_001080522.2); c.4612G>T, p.Asp1538Tyr (NM_001378617.1); short protein forms D1538Y, D1587Y.
Identifiers: ClinVar variation 1476741 (VCV001476741.4), dbSNP rs1378734767, ClinGen allele CA356436390.